The following is an entry in ClinVar:

NM_000465.4(BARD1):c.1766C>T (p.Ala589Val)

Gene: BARD1 (BRCA1 associated RING domain 1; minus strand). Cytogenetic location: 2q35.
Variant type: single nucleotide variant.
Coding change: c.1766C>T on transcript NM_000465.4 (MANE Select); coding-DNA position 1766, C replaced by T.
Protein change: p.Ala589Val; replaces alanine 589 with valine.
Molecular consequence: missense variant. On other transcripts: non-coding transcript variant (3), intron variant (1).
Genome position (GRCh38, 1-based): chr2:214,745,766, G>A on the plus strand (C>T on the coding strand, the complement: BARD1 is on the minus strand). VCF-style: chr2-214745766-G-A. GRCh37 (hg19) VCF-style: chr2-215610490-G-A.
Other names: c.1709C>T, p.Ala570Val (NM_001282543.2); c.413C>T, p.Ala138Val (NM_001282545.2); c.356C>T, p.Ala119Val (NM_001282548.2); c.365-15258C>T (NM_001282549.2); short protein forms A570V, A589V, A119V, A138V.
Identifiers: ClinVar variation 820018 (VCV000820018.14), dbSNP rs1574739157, ClinGen allele CA350452802.

ClinVar aggregate classification (germline): Uncertain significance. Review status: criteria provided, multiple submitters, no conflicts (2 of 4 stars). 2 submissions from 2 submitters: Uncertain significance (2). Last evaluated 2021-12-10.

Conditions:
Familial cancer of breast. Also called: BREAST CANCER, FAMILIAL; Hereditary breast cancer; hereditary breast carcinoma. Identifiers: Orphanet 227535, MedGen C0346153, MONDO:0016419, OMIM 114480. Disease mechanism: loss of function.
Hereditary cancer-predisposing syndrome. Also called: Neoplastic Syndromes, Hereditary; Tumor predisposition; Hereditary Cancer Syndrome; Hereditary neoplastic syndrome. Identifiers: Orphanet 140162, MedGen C0027672, MeSH D009386, MONDO:0015356.

Allele frequency attached by ClinVar (database versions not stated): gnomAD exomes 0.00001.
gnomAD v4.1: 8 of 1,613,964 alleles (0.0005%); highest among the groups gnomAD compares: African/African-American, 0.0013%; no homozygotes.

Submissions (2):

Ambry Genetics
Classification: Uncertain significance for Hereditary cancer-predisposing syndrome. Last evaluated: 2021-12-10. Review status: criteria provided, single submitter. Criteria: Ambry Variant Classification Scheme 2023. Collection method: clinical testing. Allele origin: germline.
Comment: The p.A589V variant (also known as c.1766C>T), located in coding exon 8 of the BARD1 gene, results from a C to T substitution at nucleotide position 1766. The alanine at codon 589 is replaced by valine, an amino acid with similar properties. This amino acid position is not well conserved in available vertebrate species. In addition, this alteration is predicted to be tolerated by in silico analysis. Since supporting evidence is limited at this time, the clinical significance of this alteration remains unclear.

Labcorp Genetics (formerly Invitae), Labcorp
Classification: Uncertain significance for Familial cancer of breast. Last evaluated: 2020-09-24. Review status: criteria provided, single submitter. Criteria: Invitae Variant Classification Sherloc (09022015). Collection method: clinical testing. Allele origin: germline.
Comment: This sequence change replaces alanine with valine at codon 589 of the BARD1 protein (p.Ala589Val). The alanine residue is moderately conserved and there is a small physicochemical difference between alanine and valine. In summary, the available evidence is currently insufficient to determine the role of this variant in disease. Therefore, it has been classified as a Variant of Uncertain Significance. Algorithms developed to predict the effect of missense changes on protein structure and function output the following: SIFT: "Tolerated"; PolyPhen-2: "Benign"; Align-GVGD: "Class C0". The valine amino acid residue is found in multiple mammalian species, suggesting that this missense change does not adversely affect protein function. These predictions have not been confirmed by published functional studies and their clinical significance is uncertain. This variant has not been reported in the literature in individuals with BARD1-related conditions. ClinVar contains an entry for this variant (Variation ID: 820018). This variant is not present in population databases (ExAC no frequency).